The following is an entry in ClinVar:

ClinVar aggregate classification (germline): Uncertain significance (1 of 4 stars; one submission).

Conditions:
Peroxisome biogenesis disorder, complementation group 7 (CG7). Also called: Peroxisome biogenesis disorder, complementation group B. Identifiers: MedGen C1864399.

Submission:

Labcorp Genetics (formerly Invitae), Labcorp
Classification: Uncertain significance for Peroxisome biogenesis disorder, complementation group 7. Last evaluated: 2022-10-13. Review status: criteria provided, single submitter. Criteria: Invitae Variant Classification Sherloc (09022015). Collection method: clinical testing. Allele origin: germline.
Comment: In summary, the available evidence is currently insufficient to determine the role of this variant in disease. Therefore, it has been classified as a Variant of Uncertain Significance. Algorithms developed to predict the effect of missense changes on protein structure and function are either unavailable or do not agree on the potential impact of this missense change (SIFT: "Tolerated"; PolyPhen-2: "Possibly Damaging"; Align-GVGD: "Class C0"). This variant has not been reported in the literature in individuals affected with PEX10-related conditions. This variant is not present in population databases (gnomAD no frequency). This sequence change replaces glutamine, which is neutral and polar, with proline, which is neutral and non-polar, at codon 118 of the PEX10 protein (p.Gln118Pro).

NM_002617.4(PEX10):c.353A>C (p.Gln118Pro)

Gene: PEX10 (peroxisomal biogenesis factor 10; minus strand). Cytogenetic location: 1p36.32.
Variant type: single nucleotide variant.
Coding change: c.353A>C on transcript NM_002617.4 (MANE Select); coding-DNA position 353, A replaced by C.
Protein change: p.Gln118Pro; replaces glutamine 118 with proline.
Molecular consequence: missense variant. On other transcripts: 5 prime UTR variant (2), non-coding transcript variant (1).
Genome position (GRCh38, 1-based): chr1:2,408,699, T>G on the plus strand (A>C on the coding strand, the complement: PEX10 is on the minus strand). VCF-style: chr1-2408699-T-G. GRCh37 (hg19) VCF-style: chr1-2340138-T-G.
Other names: c.353A>C, p.Gln118Pro (NM_001374425.1, NM_153818.2); c.-80A>C (NM_001374426.1, NM_001374427.1); short protein forms Q118P.
Identifiers: ClinVar variation 2185671 (VCV002185671.4), dbSNP rs2522278468, ClinGen allele CA337988387.